The following is an entry in ClinVar:

ClinVar aggregate classification (germline): Uncertain significance (1 of 4 stars; one submission).

Conditions:
Brugada syndrome 8 (BRGDA8). Identifiers: Orphanet 130, MedGen C2751083, MONDO:0013148, OMIM 613123.

gnomAD v4.1: 3 of 1,613,658 alleles (0.00019%); highest among the groups gnomAD compares: South Asian, 0.0022%; no homozygotes.

Submission:

Labcorp Genetics (formerly Invitae), Labcorp
Classification: Uncertain significance for Brugada syndrome 8. Last evaluated: 2026-01-04. Review status: criteria provided, single submitter. Criteria: Invitae Variant Classification Sherloc (09022015). Collection method: clinical testing. Allele origin: germline.
Comment: This sequence change replaces valine, which is neutral and non-polar, with isoleucine, which is neutral and non-polar, at codon 226 of the HCN4 protein (p.Val226Ile). The frequency data for this variant in the population databases is considered unreliable, as metrics indicate poor data quality at this position in the gnomAD database. This variant has not been reported in the literature in individuals affected with HCN4-related conditions. Invitae Evidence Modeling of protein sequence and biophysical properties (such as structural, functional, and spatial information, amino acid conservation, physicochemical variation, residue mobility, and thermodynamic stability) indicates that this missense variant is expected to disrupt HCN4 protein function with a positive predictive value of 95%. In summary, the available evidence is currently insufficient to determine the role of this variant in disease. Therefore, it has been classified as a Variant of Uncertain Significance.

NM_005477.3(HCN4):c.676G>A (p.Val226Ile)

Gene: HCN4 (hyperpolarization activated cyclic nucleotide gated potassium channel 4; minus strand). Cytogenetic location: 15q24.1.
Variant type: single nucleotide variant.
Coding change: c.676G>A on transcript NM_005477.3 (MANE Select); coding-DNA position 676, G replaced by A.
Protein change: p.Val226Ile; replaces valine 226 with isoleucine.
Molecular consequence: missense variant.
Genome position (GRCh38, 1-based): chr15:73,367,595, C>T on the plus strand (G>A on the coding strand, the complement: HCN4 is on the minus strand). VCF-style: chr15-73367595-C-T. GRCh37 (hg19) VCF-style: chr15-73659936-C-T.
Other names: short protein forms V226I.
Identifiers: ClinVar variation 4736667 (VCV004736667.1).